The following is an entry in ClinVar:

NM_014687.4(RUBCN):c.2647-2A>G

Gene: RUBCN (rubicon autophagy regulator; minus strand). Cytogenetic location: 3q29.
Variant type: single nucleotide variant.
Coding change: c.2647-2A>G on transcript NM_014687.4 (MANE Select); the canonical splice acceptor site of the intron before coding-DNA position 2647, A replaced by G.
Molecular consequence: splice acceptor variant.
Genome position (GRCh38, 1-based): chr3:197,675,517, T>C on the plus strand (A>G on the coding strand, the complement: RUBCN is on the minus strand). VCF-style: chr3-197675517-T-C. GRCh37 (hg19) VCF-style: chr3-197402388-T-C.
Other names: c.2512-2A>G (NM_001145642.5); c.2764-2A>G (NM_001346873.2).
Identifiers: ClinVar variation 2775435 (VCV002775435.1), dbSNP rs375400873, ClinGen allele CA2786470.

ClinVar aggregate classification (germline): Pathogenic (1 of 4 stars; one submission).

Conditions:
Autosomal recessive spinocerebellar ataxia 15. Also called: SALIH ATAXIA. Identifiers: Orphanet 404499, MedGen C3810326, MONDO:0014311, OMIM 615705.

Allele frequency attached by ClinVar (database versions not stated): TOPMed below 0.00001; ExAC 0.00001; gnomAD 0.00001; ESP Exome Variant Server 0.00008.
gnomAD v4.1: 1 of 1,612,690 alleles (0.000062%); highest among the groups gnomAD compares: Non-Finnish European, 0.000085%; no homozygotes.

Submission:

Institute of Immunology and Genetics Kaiserslautern
Classification: Pathogenic for Autosomal recessive spinocerebellar ataxia 15. Last evaluated: 2024-02-02. Review status: criteria provided, single submitter. Criteria: ACMG Guidelines, 2015. Collection method: clinical testing. Allele origin: biparental. Affected: yes.
Comment: ACMG Criteria: PVS1, PM2, PP3; Variant was found in homozygous state